The following is an entry in ClinVar:

ClinVar aggregate classification (germline): Benign (3 of 4 stars; one submission).

Conditions:
Breast-ovarian cancer, familial, susceptibility to, 2 (BROVCA2). Also called: BRCA2 Hereditary Breast and Ovarian Cancer. Identifiers: Orphanet 145, MedGen C2675520, MONDO:0012933, OMIM 612555. Disease mechanism: loss of function.

Allele frequency attached by ClinVar (database versions not stated): gnomAD 0.04028 and 0.04413; TOPMed 0.04447; 1000 Genomes Project 0.07408; 1000 Genomes Project 30x 0.07417.
gnomAD v4.1: 6,719 of 152,270 alleles (4.4%); highest among the groups gnomAD compares: South Asian, 11%; 238 homozygotes.

Submission:

Evidence-based Network for the Interpretation of Germline Mutant Alleles (ENIGMA)
Classification: Benign for Breast-ovarian cancer, familial 2. Last evaluated: 2015-01-12. Review status: reviewed by expert panel. Criteria: ENIGMA BRCA1/2 Classification Criteria (2015). Collection method: curation. Allele origin: germline.
Comment: Class 1 not pathogenic based on frequency >1% in an outbred sampleset. Frequency 0.1049 (Asian), 0.01423 (African), 0.04354 (European), derived from 1000 genomes (2012-04-30).

NM_000059.4(BRCA2):c.317-2537G>A

Gene: BRCA2 (BRCA2 DNA repair associated; plus strand). Cytogenetic location: 13q13.1.
Variant type: single nucleotide variant.
Coding change: c.317-2537G>A on transcript NM_000059.4 (MANE Select); 2537 bases into the intron before coding-DNA position 317, G replaced by A.
Molecular consequence: intron variant.
Genome position (GRCh38, 1-based): chr13:32,322,539, G>A. VCF-style: chr13-32322539-G-A. GRCh37 (hg19) VCF-style: chr13-32896676-G-A.
Other names: IVS 3-2537G>A.
Identifiers: ClinVar variation 209633 (VCV000209633.1), dbSNP rs11571597, ClinGen allele CA276602.